The following is an entry in ClinVar:

ClinVar aggregate classification (germline): Uncertain significance (1 of 4 stars; one submission).

Submission:

Labcorp Genetics (formerly Invitae), Labcorp
Classification: Uncertain significance. Last evaluated: 2024-10-28. Review status: criteria provided, single submitter. Criteria: Invitae Variant Classification Sherloc (09022015). Collection method: clinical testing. Allele origin: germline.
Comment: This sequence change replaces leucine, which is neutral and non-polar, with histidine, which is basic and polar, at codon 125 of the THBD protein (p.Leu125His). This variant is not present in population databases (gnomAD no frequency). This variant has not been reported in the literature in individuals affected with THBD-related conditions. ClinVar contains an entry for this variant (Variation ID: 2004977). Invitae Evidence Modeling of protein sequence and biophysical properties (such as structural, functional, and spatial information, amino acid conservation, physicochemical variation, residue mobility, and thermodynamic stability) indicates that this missense variant is not expected to disrupt THBD protein function with a negative predictive value of 80%. In summary, the available evidence is currently insufficient to determine the role of this variant in disease. Therefore, it has been classified as a Variant of Uncertain Significance.

NM_000361.3(THBD):c.374T>A (p.Leu125His)

Gene: THBD (thrombomodulin; minus strand). Cytogenetic location: 20p11.21.
Variant type: single nucleotide variant.
Coding change: c.374T>A on transcript NM_000361.3 (MANE Select); coding-DNA position 374, T replaced by A.
Protein change: p.Leu125His; replaces leucine 125 with histidine.
Molecular consequence: missense variant.
Genome position (GRCh38, 1-based): chr20:23,049,131, A>T on the plus strand (T>A on the coding strand, the complement: THBD is on the minus strand). VCF-style: chr20-23049131-A-T. GRCh37 (hg19) VCF-style: chr20-23029768-A-T.
Other names: short protein forms L125H.
Identifiers: ClinVar variation 2004977 (VCV002004977.4), dbSNP rs2515205472, ClinGen allele CA408407820.